The following is an entry in ClinVar:

ClinVar aggregate classification (germline): Likely pathogenic (1 of 4 stars; one submission).

Submission:

Labcorp Genetics (formerly Invitae), Labcorp
Classification: Likely pathogenic. Last evaluated: 2023-06-09. Review status: criteria provided, single submitter. Criteria: Invitae Variant Classification Sherloc (09022015). Collection method: clinical testing. Allele origin: germline.
Comment: In summary, the currently available evidence indicates that the variant is pathogenic, but additional data are needed to prove that conclusively. Therefore, this variant has been classified as Likely Pathogenic. Advanced modeling of protein sequence and biophysical properties (such as structural, functional, and spatial information, amino acid conservation, physicochemical variation, residue mobility, and thermodynamic stability) has been performed at Invitae for this missense variant, however the output from this modeling did not meet the statistical confidence thresholds required to predict the impact of this variant on BRD4 protein function. This missense change has been observed in individual(s) with Cornelia de Lange syndrome (Invitae). In at least one individual the variant was observed to be de novo. This variant is not present in population databases (gnomAD no frequency). This sequence change replaces arginine, which is basic and polar, with leucine, which is neutral and non-polar, at codon 113 of the BRD4 protein (p.Arg113Leu).

NM_001379291.1(BRD4):c.338G>T (p.Arg113Leu)

Gene: BRD4 (bromodomain containing 4; minus strand). Cytogenetic location: 19p13.12.
Variant type: single nucleotide variant.
Coding change: c.338G>T on transcript NM_001379291.1 (MANE Select); coding-DNA position 338, G replaced by T.
Protein change: p.Arg113Leu; replaces arginine 113 with leucine.
Molecular consequence: missense variant.
Genome position (GRCh38, 1-based): chr19:15,268,990, C>A on the plus strand (G>T on the coding strand, the complement: BRD4 is on the minus strand). VCF-style: chr19-15268990-C-A. GRCh37 (hg19) VCF-style: chr19-15379801-C-A.
Other names: c.338G>T, p.Arg113Leu (NM_001330384.2, NM_001379292.1, NM_014299.3 and 1 more transcripts); short protein forms R113L.
Identifiers: ClinVar variation 2864923 (VCV002864923.3), dbSNP rs2145613555, ClinGen allele CA404486643.